The following is an entry in ClinVar:

ClinVar aggregate classification (germline): Uncertain significance (1 of 4 stars; one submission).

Allele frequency attached by ClinVar (database versions not stated): gnomAD exomes below 0.00001.
gnomAD v4.1: 1 of 1,610,188 alleles (0.000062%); highest among the groups gnomAD compares: Non-Finnish European, 0.000085%; no homozygotes.

Submission:

Labcorp Genetics (formerly Invitae), Labcorp
Classification: Uncertain significance. Last evaluated: 2023-06-23. Review status: criteria provided, single submitter. Criteria: Invitae Variant Classification Sherloc (09022015). Collection method: clinical testing. Allele origin: germline.
Comment: This sequence change replaces tryptophan, which is neutral and slightly polar, with arginine, which is basic and polar, at codon 708 of the ADGRE2 protein (p.Trp708Arg). This variant is not present in population databases (gnomAD no frequency). This variant has not been reported in the literature in individuals affected with ADGRE2-related conditions. An algorithm developed to predict the effect of missense changes on protein structure and function (PolyPhen-2) suggests that this variant is likely to be disruptive. Algorithms developed to predict the effect of sequence changes on RNA splicing suggest that this variant may create or strengthen a splice site. In summary, the available evidence is currently insufficient to determine the role of this variant in disease. Therefore, it has been classified as a Variant of Uncertain Significance.

NM_013447.4(ADGRE2):c.2122T>C (p.Trp708Arg)

Gene: ADGRE2 (adhesion G protein-coupled receptor E2; minus strand). Cytogenetic location: 19p13.12.
Variant type: single nucleotide variant.
Coding change: c.2122T>C on transcript NM_013447.4 (MANE Select); coding-DNA position 2122, T replaced by C.
Protein change: p.Trp708Arg; replaces tryptophan 708 with arginine.
Molecular consequence: missense variant.
Genome position (GRCh38, 1-based): chr19:14,746,293, A>G on the plus strand (T>C on the coding strand, the complement: ADGRE2 is on the minus strand). VCF-style: chr19-14746293-A-G. GRCh37 (hg19) VCF-style: chr19-14857105-A-G.
Other names: c.1843T>C, p.Trp615Arg (NM_152917.2); c.1948T>C, p.Trp650Arg (NM_001271052.1); c.1975T>C, p.Trp659Arg (NM_152916.2); short protein forms W659R, W708R, W615R, W650R.
Identifiers: ClinVar variation 2762189 (VCV002762189.3), dbSNP rs2043084552, ClinGen allele CA404451821.